The following is an entry in ClinVar:

ClinVar aggregate classification (germline): not provided (0 of 4 stars; one submission).

Allele frequency attached by ClinVar (database versions not stated): TOPMed 0.00002.

Submission:

Human Evolutionary Genetics, Institut Pasteur
No classification provided. Review status: no classification provided. Collection method: not provided. Allele origin: germline.
ClinVar note: Converted during submission from untested to not provided.

NM_006092.4(NOD1):c.2537+81G>A

Gene: NOD1 (nucleotide binding oligomerization domain containing 1; minus strand). Cytogenetic location: 7p14.3.
Variant type: single nucleotide variant.
Coding change: c.2537+81G>A on transcript NM_006092.4 (MANE Select); 81 bases into the intron after coding-DNA position 2537, G replaced by A.
Molecular consequence: intron variant.
Genome position (GRCh38, 1-based): chr7:30,437,492, C>T on the plus strand (G>A on the coding strand, the complement: NOD1 is on the minus strand). VCF-style: chr7-30437492-C-T. GRCh37 (hg19) VCF-style: chr7-30477108-C-T.
Other names: c.2454-1411G>A (NM_001354849.2).
Identifiers: ClinVar variation 103106 (VCV000103106.2), dbSNP rs199476272, ClinGen allele CA230123.